The following is an entry in ClinVar:

NM_002334.4(LRP4):c.5441G>C (p.Cys1814Ser)

Genes: LRP4 (LDL receptor related protein 4; minus strand), LRP4-AS1 (LRP4 antisense RNA 1; plus strand). Cytogenetic location: 11p11.2.
Variant type: single nucleotide variant.
Coding change: c.5441G>C on transcript NM_002334.4 (MANE Select); coding-DNA position 5441, G replaced by C.
Protein change: p.Cys1814Ser; replaces cysteine 1814 with serine.
Molecular consequence: missense variant.
Genome position (GRCh38, 1-based): chr11:46,859,260, C>G on the plus strand (G>C on the coding strand, the complement: LRP4 is on the minus strand). VCF-style: chr11-46859260-C-G. GRCh37 (hg19) VCF-style: chr11-46880811-C-G.
Other names: short protein forms C1814S.
Identifiers: ClinVar variation 1389663 (VCV001389663.8), dbSNP rs760515633, ClinGen allele CA380284521.

ClinVar aggregate classification (germline): Uncertain significance (1 of 4 stars; one submission).

Conditions:
Sclerosteosis 2 (SOST2). Identifiers: Orphanet 3152, MedGen C3280402, MONDO:0013679, OMIM 614305.
Congenital myasthenic syndrome 17. Identifiers: Orphanet 590, MedGen C4225377, MONDO:0014578, OMIM 616304.
Cenani-Lenz syndactyly syndrome. Also called: SYNDACTYLY, TYPE VII; CENANI SYNDACTYLISM. Identifiers: Orphanet 3258, MedGen C1859309, MONDO:0008931, OMIM 212780.

gnomAD v4.1: 14 of 1,614,020 alleles (0.00087%); highest among the groups gnomAD compares: Non-Finnish European, 0.00034%; no homozygotes.

Submission:

Labcorp Genetics (formerly Invitae), Labcorp
Classification: Uncertain significance for Cenani-Lenz syndactyly syndrome; Sclerosteosis 2; Congenital myasthenic syndrome 17. Last evaluated: 2022-07-12. Review status: criteria provided, single submitter. Criteria: Invitae Variant Classification Sherloc (09022015). Collection method: clinical testing. Allele origin: germline.
Comment: In summary, the available evidence is currently insufficient to determine the role of this variant in disease. Therefore, it has been classified as a Variant of Uncertain Significance. Algorithms developed to predict the effect of missense changes on protein structure and function (SIFT, PolyPhen-2, Align-GVGD) all suggest that this variant is likely to be tolerated. ClinVar contains an entry for this variant (Variation ID: 1389663). This variant has not been reported in the literature in individuals affected with LRP4-related conditions. This variant is present in population databases (no rsID available, gnomAD 0.009%). This sequence change replaces cysteine, which is neutral and slightly polar, with serine, which is neutral and polar, at codon 1814 of the LRP4 protein (p.Cys1814Ser).